The following is an entry in ClinVar:

NM_203486.3(DLL3):c.1370C>T (p.Pro457Leu)

Gene: DLL3 (delta like canonical Notch ligand 3; plus strand). Cytogenetic location: 19q13.2.
Variant type: single nucleotide variant.
Coding change: c.1370C>T on transcript NM_203486.3 (MANE Select); coding-DNA position 1370, C replaced by T.
Protein change: p.Pro457Leu; replaces proline 457 with leucine.
Molecular consequence: missense variant.
Genome position (GRCh38, 1-based): chr19:39,507,315, C>T. VCF-style: chr19-39507315-C-T. GRCh37 (hg19) VCF-style: chr19-39997955-C-T.
Other names: c.1370C>T, p.Pro457Leu (NM_016941.4); c.1370C>T (NM_016941.3); short protein forms P457L.
Identifiers: ClinVar variation 1470743 (VCV001470743.4), dbSNP rs762031444, ClinGen allele CA9432421.

ClinVar aggregate classification (germline): Uncertain significance. Review status: criteria provided, multiple submitters, no conflicts (2 of 4 stars). 2 submissions from 2 submitters: Uncertain significance (2). Last evaluated 2025-08-14.

Conditions:
Inborn genetic diseases. Identifiers: MedGen C0950123, MeSH D030342.

Allele frequency attached by ClinVar (database versions not stated): gnomAD exomes 0.00002 and 0.00012; TOPMed 0.00003; gnomAD 0.00004; ExAC 0.00006.
gnomAD v4.1: 172 of 1,562,194 alleles (0.011%); highest among the groups gnomAD compares: Non-Finnish European, 0.014%; no homozygotes.

Submissions (2):

Ambry Genetics
Classification: Uncertain significance for Inborn genetic diseases. Last evaluated: 2025-08-14. Review status: criteria provided, single submitter. Criteria: Ambry Variant Classification Scheme 2023. Collection method: clinical testing. Allele origin: germline.

Labcorp Genetics (formerly Invitae), Labcorp
Classification: Uncertain significance. Last evaluated: 2021-09-27. Review status: criteria provided, single submitter. Criteria: Invitae Variant Classification Sherloc (09022015). Collection method: clinical testing. Allele origin: germline.
Comment: This sequence change replaces proline with leucine at codon 457 of the DLL3 protein (p.Pro457Leu). The proline residue is highly conserved and there is a moderate physicochemical difference between proline and leucine. This variant is present in population databases (rs762031444, ExAC 0.02%). This variant has not been reported in the literature in individuals affected with DLL3-related conditions. Algorithms developed to predict the effect of missense changes on protein structure and function are either unavailable or do not agree on the potential impact of this missense change (SIFT: "Deleterious"; PolyPhen-2: "Probably Damaging"; Align-GVGD: "Class C0"). In summary, the available evidence is currently insufficient to determine the role of this variant in disease. Therefore, it has been classified as a Variant of Uncertain Significance.